The following is an entry in ClinVar:

ClinVar aggregate classification (germline): Uncertain significance (1 of 4 stars; one submission).

Conditions:
Cohen syndrome (COH1). Also called: PEPPER SYNDROME; Cutis verticis gyrata, retinitis pigmentosa, and sensorineural deafness. Identifiers: Orphanet 193, MedGen C0265223, MONDO:0008999, OMIM 216550.

Allele frequency attached by ClinVar (database versions not stated): gnomAD exomes below 0.00001.
gnomAD v4.1: 2 of 1,613,434 alleles (0.00012%); highest among the groups gnomAD compares: Non-Finnish European, 0.00017%; no homozygotes.

Submission:

Labcorp Genetics (formerly Invitae), Labcorp
Classification: Uncertain significance for Cohen syndrome. Last evaluated: 2022-10-24. Review status: criteria provided, single submitter. Criteria: Invitae Variant Classification Sherloc (09022015). Collection method: clinical testing. Allele origin: germline.
Comment: This sequence change replaces glutamic acid with aspartic acid at codon 1148 of the VPS13B protein (p.Glu1148Asp). The glutamic acid residue is moderately conserved and there is a small physicochemical difference between glutamic acid and aspartic acid. This variant is present in population databases (no rsID available, gnomAD 0.0009%). This variant has not been reported in the literature in individuals affected with VPS13B-related conditions. Algorithms developed to predict the effect of missense changes on protein structure and function are either unavailable or do not agree on the potential impact of this missense change (SIFT: "Not Available"; PolyPhen-2: "Probably Damaging"; Align-GVGD: "Not Available"). In summary, the available evidence is currently insufficient to determine the role of this variant in disease. Therefore, it has been classified as a Variant of Uncertain Significance.

NM_152564.5(VPS13B):c.3444A>C (p.Glu1148Asp)

Gene: VPS13B (vacuolar protein sorting 13 homolog B; plus strand). Cytogenetic location: 8q22.2.
Variant type: single nucleotide variant.
Coding change: c.3444A>C on transcript NM_152564.5 (MANE Select); coding-DNA position 3444, A replaced by C.
Protein change: p.Glu1148Asp; replaces glutamic acid 1148 with aspartic acid.
Molecular consequence: missense variant.
Genome position (GRCh38, 1-based): chr8:99,442,634, A>C. VCF-style: chr8-99442634-A-C. GRCh37 (hg19) VCF-style: chr8-100454862-A-C.
Other names: c.3444A>C, p.Glu1148Asp (NM_017890.5); short protein forms E1148D.
Identifiers: ClinVar variation 2171952 (VCV002171952.1), dbSNP rs1292932616, ClinGen allele CA371871150.
Genomic context (GRCh38, chr8:99,442,634, plus strand): 5'-CAAGTATATGGAACCTCTGCAGGAGATTCCATTTGTTATCCCACGACCCATCCTTGAAGA[A>C]GGTATATGTTAACATTTTTTTCCTATGGTTAATGTTTTATATGGACATTTTTAGATTTGT-3'
Protein context (NP_689777.3, residues 1138-1158): PFVIPRPILE[Glu1148Asp]GDAFPWTISL